The following is an entry in ClinVar:

ClinVar aggregate classification (germline): Benign/Likely benign. Review status: criteria provided, multiple submitters, no conflicts (2 of 4 stars). 9 submissions from 9 submitters: Benign (1); Likely benign (5). 3 of the submissions do not count toward it. Last evaluated 2026-01-28.

Conditions:
VPS13B-related disorder. Also called: VPS13B-related condition.
Inborn genetic diseases. Identifiers: MedGen C0950123, MeSH D030342.
Cohen syndrome (COH1). Also called: Cutis verticis gyrata, retinitis pigmentosa, and sensorineural deafness; PEPPER SYNDROME. Identifiers: Orphanet 193, MedGen C0265223, MONDO:0008999, OMIM 216550.

Allele frequency attached by ClinVar (database versions not stated): ESP Exome Variant Server 0.00008; gnomAD 0.00016 and 0.00035; TOPMed 0.00023; gnomAD exomes 0.00060 and 0.00118; ExAC 0.00133; 1000 Genomes Project 30x 0.00156; 1000 Genomes Project 0.00180.
gnomAD v4.1: 939 of 1,614,174 alleles (0.058%); highest among the groups gnomAD compares: South Asian, 0.73%; 14 homozygotes.

Submissions (9):

Labcorp Genetics (formerly Invitae), Labcorp
Classification: Benign for Cohen syndrome. Last evaluated: 2026-01-28. Review status: criteria provided, single submitter. Criteria: Invitae Variant Classification Sherloc (09022015). Collection method: clinical testing. Allele origin: germline.

CeGaT Center for Human Genetics Tuebingen
Classification: Likely benign. Last evaluated: 2025-01-01. Review status: criteria provided, single submitter. Criteria: CeGaT Center For Human Genetics Tuebingen Variant Classification Criteria Version 2. Collection method: clinical testing. Allele origin: germline. Affected: yes. Observed: 1 variant allele.
Comment: VPS13B: BP4, BS2

Blueprint Genetics
Classification: Likely benign. Last evaluated: 2024-10-24. Review status: criteria provided, single submitter. Criteria: ACMG Guidelines, 2015. Collection method: clinical testing. Allele origin: germline.

Ambry Genetics
Classification: Likely benign for Inborn genetic diseases. Last evaluated: 2018-04-24. Review status: criteria provided, single submitter. Criteria: Ambry Variant Classification Scheme 2023. Collection method: clinical testing. Allele origin: germline.

Illumina Laboratory Services, Illumina
Classification: Likely benign for Cohen syndrome. Last evaluated: 2018-01-13. Review status: criteria provided, single submitter. Criteria: ICSL Variant Classification Criteria 13 December 2019. Collection method: clinical testing. Allele origin: germline.
Comment: This variant was observed in the ICSL laboratory as part of a predisposition screen in an ostensibly healthy population. It had not been previously curated by ICSL or reported in the Human Gene Mutation Database (HGMD: prior to June 1st, 2018), and was therefore a candidate for classification through an automated scoring system. Utilizing variant allele frequency, disease prevalence and penetrance estimates, and inheritance mode, an automated score was calculated to assess if this variant is too frequent to cause the disease. Based on the score and internal cut-off values, a variant classified as likely benign is not then subjected to further curation. The score for this variant resulted in a classification of likely benign for this disease.

Genetic Services Laboratory, University of Chicago
Classification: Likely benign. Last evaluated: 2015-06-25. Review status: criteria provided, single submitter. Criteria: ACMG Guidelines, 2015. Collection method: clinical testing. Allele origin: germline.

Natera, Inc.
Classification: Benign for Cohen syndrome. Last evaluated: 2020-09-16. Review status: no assertion criteria provided. Collection method: clinical testing. Allele origin: germline. Not counted in ClinVar's aggregate classification.

PreventionGenetics, part of Exact Sciences
Classification: Benign for VPS13B-related condition. Last evaluated: 2019-10-25. Review status: no assertion criteria provided. Collection method: clinical testing. Allele origin: germline. Not counted in ClinVar's aggregate classification.
Comment: This variant is classified as benign based on ACMG/AMP sequence variant interpretation guidelines (Richards et al. 2015 PMID: 25741868, with internal and published modifications).

Dr.Nikuei Genetic Center
Classification: Benign for Cohen syndrome. Review status: no assertion criteria provided. Collection method: clinical testing. Allele origin: germline. Inheritance: Autosomal recessive inheritance. Affected: no. Observed: 1 homozygote. Not counted in ClinVar's aggregate classification.

NM_152564.5(VPS13B):c.358A>G (p.Ile120Val)

Gene: VPS13B (vacuolar protein sorting 13 homolog B; plus strand). Cytogenetic location: 8q22.2.
Variant type: single nucleotide variant.
Coding change: c.358A>G on transcript NM_152564.5 (MANE Select); coding-DNA position 358, A replaced by G.
Protein change: p.Ile120Val; replaces isoleucine 120 with valine.
Molecular consequence: missense variant. On other transcripts: non-coding transcript variant (1).
Genome position (GRCh38, 1-based): chr8:99,096,378, A>G. VCF-style: chr8-99096378-A-G. GRCh37 (hg19) VCF-style: chr8-100108606-A-G.
Other names: c.358A>G, p.Ile120Val (NM_015243.3, NM_017890.5, NM_181661.3); c.358A>G (NM_152564.4); short protein forms I120V.
Identifiers: ClinVar variation 212575 (VCV000212575.39), dbSNP rs201147123, ClinGen allele CA206198.